The following is an entry in ClinVar:

ClinVar aggregate classification (germline): Uncertain significance (1 of 4 stars; one submission).

gnomAD v4.1: 2 of 1,613,252 alleles (0.00012%); highest among the groups gnomAD compares: Non-Finnish European, 0.000085%; no homozygotes.

Submission:

Labcorp Genetics (formerly Invitae), Labcorp
Classification: Uncertain significance. Last evaluated: 2024-07-21. Review status: criteria provided, single submitter. Criteria: Invitae Variant Classification Sherloc (09022015). Collection method: clinical testing. Allele origin: germline.
Comment: This sequence change replaces proline, which is neutral and non-polar, with alanine, which is neutral and non-polar, at codon 1197 of the NLRP1 protein (p.Pro1197Ala). This variant is present in population databases (rs764029749, gnomAD 0.0009%). This variant has not been reported in the literature in individuals affected with NLRP1-related conditions. An algorithm developed to predict the effect of missense changes on protein structure and function (PolyPhen-2) suggests that this variant is likely to be disruptive. In summary, the available evidence is currently insufficient to determine the role of this variant in disease. Therefore, it has been classified as a Variant of Uncertain Significance.

NM_033004.4(NLRP1):c.3589C>G (p.Pro1197Ala)

Gene: NLRP1 (NLR family pyrin domain containing 1; minus strand). Cytogenetic location: 17p13.2.
Variant type: single nucleotide variant.
Coding change: c.3589C>G on transcript NM_033004.4 (MANE Select); coding-DNA position 3589, C replaced by G.
Protein change: p.Pro1197Ala; replaces proline 1197 with alanine.
Molecular consequence: missense variant.
Genome position (GRCh38, 1-based): chr17:5,521,718, G>C on the plus strand (C>G on the coding strand, the complement: NLRP1 is on the minus strand). VCF-style: chr17-5521718-G-C. GRCh37 (hg19) VCF-style: chr17-5425038-G-C.
Other names: c.3601C>G, p.Pro1201Ala (NM_001033053.3); c.3589C>G, p.Pro1197Ala (NM_014922.5); c.3499C>G, p.Pro1167Ala (NM_033006.4, NM_033007.4); short protein forms P1167A, P1197A, P1201A.
Identifiers: ClinVar variation 3660099 (VCV003660099.2).